The following is an entry in ClinVar:

NM_000256.3(MYBPC3):c.1280C>A (p.Ser427Ter)

Gene: MYBPC3 (myosin binding protein C3; minus strand). Cytogenetic location: 11p11.2.
Variant type: single nucleotide variant.
Coding change: c.1280C>A on transcript NM_000256.3 (MANE Select); coding-DNA position 1280, C replaced by A.
Protein change: p.Ser427Ter; replaces serine 427 with a stop codon.
Molecular consequence: nonsense.
Genome position (GRCh38, 1-based): chr11:47,343,092, G>T on the plus strand (C>A on the coding strand, the complement: MYBPC3 is on the minus strand). VCF-style: chr11-47343092-G-T. GRCh37 (hg19) VCF-style: chr11-47364643-G-T.
Other names: short protein forms S427*.
Identifiers: ClinVar variation 2574108 (VCV002574108.1), dbSNP rs2495764248, ClinGen allele CA380327416.

ClinVar aggregate classification (germline): Likely pathogenic (0 of 4 stars; one submission).

Conditions:
Hypertrophic cardiomyopathy 4. Also called: Familial hypertrophic cardiomyopathy 4. Identifiers: MedGen C1861862, MONDO:0007268, OMIM 115197.

Submission:

deCODE genetics, Amgen
Classification: Likely pathogenic for Hypertrophic cardiomyopathy 4. Last evaluated: 2023-07-21. Review status: no assertion criteria provided. Collection method: research. Allele origin: germline. Affected: yes. Observed: 1 variant allele.
Comment: The variant NM_000256.3:c.1280C>A (chr11:47343092) in MYBPC3 was detected in 1 heterozygote out of 58K WGS Icelanders (MAF= 0,001%). This variant has not been reported in ClinVar previously. Based on ACMG criteria (PVS1, PM2) this variant classifies as likely pathogenic.